The following is an entry in ClinVar:

ClinVar aggregate classification (germline): Likely benign. Review status: criteria provided, multiple submitters, no conflicts (2 of 4 stars). 2 submissions from 2 submitters: Likely benign (2). Last evaluated 2025-10-31.

Conditions:
Tuberous sclerosis 2 (TSC2). Identifiers: Orphanet 805, MedGen C1860707, MONDO:0013199, OMIM 613254.

Submissions (2):

Labcorp Genetics (formerly Invitae), Labcorp
Classification: Likely benign for Tuberous sclerosis 2. Last evaluated: 2025-10-31. Review status: criteria provided, single submitter. Criteria: Invitae Variant Classification Sherloc (09022015). Collection method: clinical testing. Allele origin: germline.

Myriad Genetics, Inc.
Classification: Likely benign for Tuberous sclerosis 2. Last evaluated: 2025-05-09. Review status: criteria provided, single submitter. Criteria: Myriad Autosomal Dominant, Autosomal Recessive and X-Linked Classification Criteria (2023). Collection method: clinical testing. Allele origin: unknown.
Comment: This variant is considered likely benign. This variant is intronic and is not expected to impact mRNA splicing.

NM_000548.5(TSC2):c.775-19C>T

Gene: TSC2 (TSC complex subunit 2; plus strand). Cytogenetic location: 16p13.3.
Variant type: single nucleotide variant.
Coding change: c.775-19C>T on transcript NM_000548.5 (MANE Select); 19 bases into the intron before coding-DNA position 775, C replaced by T.
Molecular consequence: intron variant.
Genome position (GRCh38, 1-based): chr16:2,057,086, C>T. VCF-style: chr16-2057086-C-T. GRCh37 (hg19) VCF-style: chr16-2107087-C-T.
Other names: c.-657-19C>T (NM_001406693.1, NM_001406689.1, NM_001406690.1 and 4 more transcripts); c.865-19C>T (NM_001406667.1, NM_001406668.1); c.175-19C>T (NM_001406680.1, NM_001406683.1, NM_001406687.1 and 6 more transcripts); c.-833-19C>T (NM_001406698.1); c.775-19C>T (NM_001114382.3, NM_001406663.1, NM_001406664.1 and 6 more transcripts); c.-538-19C>T (NM_001406694.1, NM_001406695.1); c.763-19C>T (NM_001406671.1, NM_001406673.1); c.313-19C>T (NM_001406681.1); and 4 more.
Identifiers: ClinVar variation 3704011 (VCV003704011.3).
Genomic context (GRCh38, chr16:2,057,086, plus strand): 5'-CAGGCGGGGCCAGCAGCGGGACTGGGGCTGGGGGCAGGGCTTATGCCTGCCAGCCCCTGA[C>T]ACGCATTGTGTCTCGCAGCTGATGCGGAACCTCCTTGGCACCCACCTGGGCCACAGCGCC-3'